The following is an entry in ClinVar:

NM_020549.5(CHAT):c.176C>T (p.Pro59Leu)

Gene: CHAT (choline O-acetyltransferase; plus strand). Cytogenetic location: 10q11.23.
Variant type: single nucleotide variant.
Coding change: c.176C>T on transcript NM_020549.5 (MANE Select); coding-DNA position 176, C replaced by T.
Protein change: p.Pro59Leu; replaces proline 59 with leucine.
Molecular consequence: missense variant. On other transcripts: 5 prime UTR variant (4), intron variant (2).
Genome position (GRCh38, 1-based): chr10:49,614,365, C>T. VCF-style: chr10-49614365-C-T. GRCh37 (hg19) VCF-style: chr10-50822411-C-T.
Other names: c.-179C>T (NM_001142929.2, NM_020985.4); c.-141C>T (NM_001142933.2); c.-249C>T (NM_001142934.2); c.-68-2137C>T (NM_020984.4); c.-69+1163C>T (NM_020986.4); short protein forms P59L.
Identifiers: ClinVar variation 646702 (VCV000646702.8), dbSNP rs766916844, ClinGen allele CA5497032.

ClinVar aggregate classification (germline): Uncertain significance (1 of 4 stars; one submission).

Conditions:
Familial infantile myasthenia (CMS6). Also called: Congenital myasthenic syndrome type 6; MYASTHENIC SYNDROME, PRESYNAPTIC, CONGENITAL, ASSOCIATED WITH EPISODIC APNEA; MYASTHENIC SYNDROME, CONGENITAL, 6, PRESYNAPTIC. Identifiers: Orphanet 590, MedGen C0393929, MONDO:0009689, OMIM 254210.

Allele frequency attached by ClinVar (database versions not stated): gnomAD 0.00001; gnomAD exomes 0.00001; TOPMed 0.00002; ExAC 0.00008.
gnomAD v4.1: 2 of 1,545,052 alleles (0.00013%); highest among the groups gnomAD compares: Non-Finnish European, 0.00017%; no homozygotes.

Submission:

Labcorp Genetics (formerly Invitae), Labcorp
Classification: Uncertain significance for Familial infantile myasthenia. Last evaluated: 2024-10-22. Review status: criteria provided, single submitter. Criteria: Invitae Variant Classification Sherloc (09022015). Collection method: clinical testing. Allele origin: germline.
Comment: This sequence change replaces proline, which is neutral and non-polar, with leucine, which is neutral and non-polar, at codon 59 of the CHAT protein (p.Pro59Leu). This variant is present in population databases (rs766916844, gnomAD 0.002%). This variant has not been reported in the literature in individuals affected with CHAT-related conditions. ClinVar contains an entry for this variant (Variation ID: 646702). Invitae Evidence Modeling of protein sequence and biophysical properties (such as structural, functional, and spatial information, amino acid conservation, physicochemical variation, residue mobility, and thermodynamic stability) indicates that this missense variant is not expected to disrupt CHAT protein function with a negative predictive value of 95%. In summary, the available evidence is currently insufficient to determine the role of this variant in disease. Therefore, it has been classified as a Variant of Uncertain Significance.